The following is an entry in ClinVar:

NM_000426.4(LAMA2):c.54_64del (p.Gly19fs)

Gene: LAMA2 (laminin subunit alpha 2; plus strand). Cytogenetic location: 6q22.33.
Variant type: Deletion.
Coding change: c.54_64del on transcript NM_000426.4 (MANE Select); coding-DNA positions 54 to 64, 11 bases deleted (GGGCGTACAGG).
Protein change: p.Gly19fs; shifts the reading frame from glycine 19.
Molecular consequence: frameshift variant.
Genome position (GRCh38, 1-based): chr6:128,883,299-128,883,309, GGGCGTACAGG deleted; deleting any 11 consecutive bases within chr6:128,883,297-128,883,309 gives the same sequence; the c. name uses the placement nearest the transcript's 3' end. VCF-style (leftmost placement, unchanged base first): chr6-128883296-CGGGGGCGTACA-C. GRCh37 (hg19) VCF-style: chr6-129204441-CGGGGGCGTACA-C.
Other names: c.54_64del, p.Gly19fs (NM_001079823.2); short protein forms G19fs.
Identifiers: ClinVar variation 2020751 (VCV002020751.4), dbSNP rs2482367028, ClinGen allele CA2580074879.

ClinVar aggregate classification (germline): Pathogenic (1 of 4 stars; one submission).

Conditions:
LAMA2-related muscular dystrophy (LAMA2-RD). Also called: Laminin alpha 2-related dystrophy. Identifiers: MedGen C5679788, MONDO:0100228.

Submission:

Labcorp Genetics (formerly Invitae), Labcorp
Classification: Pathogenic for LAMA2-related muscular dystrophy. Last evaluated: 2022-08-09. Review status: criteria provided, single submitter. Criteria: Invitae Variant Classification Sherloc (09022015). Collection method: clinical testing. Allele origin: germline.
Comment: For these reasons, this variant has been classified as Pathogenic. This variant has not been reported in the literature in individuals affected with LAMA2-related conditions. This variant is not present in population databases (gnomAD no frequency). This sequence change creates a premature translational stop signal (p.Gly19Alafs*27) in the LAMA2 gene. It is expected to result in an absent or disrupted protein product. Loss-of-function variants in LAMA2 are known to be pathogenic (PMID: 18700894, 32904964).

Literature cited by the submitters: PubMed 18700894; PubMed 32904964.